The following is an entry in ClinVar:

ClinVar aggregate classification (germline): Uncertain significance (1 of 4 stars; one submission).

Conditions:
Long QT syndrome (LQTS). Identifiers: MedGen C0023976, MeSH D008133, MONDO:0002442. Disease mechanism: loss of function. Inheritance: Various modes of inheritance.

Submission:

Labcorp Genetics (formerly Invitae), Labcorp
Classification: Uncertain significance for Long QT syndrome. Last evaluated: 2022-03-26. Review status: criteria provided, single submitter. Criteria: Invitae Variant Classification Sherloc (09022015). Collection method: clinical testing. Allele origin: germline.
Comment: In summary, the available evidence is currently insufficient to determine the role of this variant in disease. Therefore, it has been classified as a Variant of Uncertain Significance. Algorithms developed to predict the effect of missense changes on protein structure and function are either unavailable or do not agree on the potential impact of this missense change (SIFT: "Tolerated"; PolyPhen-2: "Probably Damaging"; Align-GVGD: "Class C0"). This variant has not been reported in the literature in individuals affected with AKAP9-related conditions. This variant is not present in population databases (gnomAD no frequency). This sequence change replaces arginine, which is basic and polar, with glycine, which is neutral and non-polar, at codon 582 of the AKAP9 protein (p.Arg582Gly).

NM_005751.5(AKAP9):c.1744A>G (p.Arg582Gly)

Gene: AKAP9 (A-kinase anchoring protein 9; plus strand). Cytogenetic location: 7q21.2.
Variant type: single nucleotide variant.
Coding change: c.1744A>G on transcript NM_005751.5 (MANE Select); coding-DNA position 1744, A replaced by G.
Protein change: p.Arg582Gly; replaces arginine 582 with glycine.
Molecular consequence: missense variant.
Genome position (GRCh38, 1-based): chr7:92,001,661, A>G. VCF-style: chr7-92001661-A-G. GRCh37 (hg19) VCF-style: chr7-91630975-A-G.
Other names: c.1744A>G, p.Arg582Gly (NM_147185.3); short protein forms R582G.
Identifiers: ClinVar variation 2154569 (VCV002154569.4), dbSNP rs2484691092, ClinGen allele CA368122482.